The following is an entry in ClinVar:

ClinVar aggregate classification (germline): Uncertain significance (1 of 4 stars; one submission).

Conditions:
Inborn genetic diseases. Identifiers: MedGen C0950123, MeSH D030342.

Submission:

Ambry Genetics
Classification: Uncertain significance for Inborn genetic diseases. Last evaluated: 2023-03-05. Review status: criteria provided, single submitter. Criteria: Ambry Variant Classification Scheme 2023. Collection method: clinical testing. Allele origin: germline.
Comment: The p.F977S variant (also known as c.2930T>C), located in coding exon 22 of the BUB1B gene, results from a T to C substitution at nucleotide position 2930. The phenylalanine at codon 977 is replaced by serine, an amino acid with highly dissimilar properties. This amino acid position is conserved. In addition, this alteration is predicted to be tolerated by in silico analysis. Since supporting evidence is limited at this time, the clinical significance of this alteration remains unclear.

NM_001211.6(BUB1B):c.2930T>C (p.Phe977Ser)

Genes: BUB1B (BUB1 mitotic checkpoint serine/threonine kinase B; plus strand), BUB1B-PAK6 (BUB1B-PAK6 readthrough; plus strand). Cytogenetic location: 15q15.1.
Variant type: single nucleotide variant.
Coding change: c.2930T>C on transcript NM_001211.6 (MANE Select); coding-DNA position 2930, T replaced by C.
Protein change: p.Phe977Ser; replaces phenylalanine 977 with serine.
Molecular consequence: missense variant. On other transcripts: intron variant (2).
Genome position (GRCh38, 1-based): chr15:40,218,535, T>C. VCF-style: chr15-40218535-T-C. GRCh37 (hg19) VCF-style: chr15-40510736-T-C.
Other names: c.-201+868T>C (NM_001128628.3); c.-118+868T>C (NM_001128629.3); short protein forms F977S.
Identifiers: ClinVar variation 2450845 (VCV002450845.2), dbSNP rs2542587833, ClinGen allele CA391688354.